The following is an entry in ClinVar:

ClinVar aggregate classification (germline): Uncertain significance. Review status: criteria provided, multiple submitters, no conflicts (2 of 4 stars). 2 submissions from 2 submitters: Uncertain significance (2). Last evaluated 2024-07-20.

Conditions:
Hereditary cancer-predisposing syndrome. Also called: Hereditary neoplastic syndrome; Neoplastic Syndromes, Hereditary; Hereditary Cancer Syndrome; Tumor predisposition. Identifiers: Orphanet 140162, MedGen C0027672, MeSH D009386, MONDO:0015356.

Submissions (2):

Labcorp Genetics (formerly Invitae), Labcorp
Classification: Uncertain significance. Last evaluated: 2024-07-20. Review status: criteria provided, single submitter. Criteria: Invitae Variant Classification Sherloc (09022015). Collection method: clinical testing. Allele origin: germline.
Comment: This sequence change replaces alanine, which is neutral and non-polar, with glycine, which is neutral and non-polar, at codon 104 of the HOXB13 protein (p.Ala104Gly). This variant is not present in population databases (gnomAD no frequency). This variant has not been reported in the literature in individuals affected with HOXB13-related conditions. ClinVar contains an entry for this variant (Variation ID: 1486646). Advanced modeling of protein sequence and biophysical properties (such as structural, functional, and spatial information, amino acid conservation, physicochemical variation, residue mobility, and thermodynamic stability) performed at Invitae indicates that this missense variant is not expected to disrupt HOXB13 protein function with a negative predictive value of 80%. In summary, the available evidence is currently insufficient to determine the role of this variant in disease. Therefore, it has been classified as a Variant of Uncertain Significance.

Ambry Genetics
Classification: Uncertain significance for Hereditary cancer-predisposing syndrome. Last evaluated: 2021-09-13. Review status: criteria provided, single submitter. Criteria: Ambry Variant Classification Scheme 2023. Collection method: clinical testing. Allele origin: germline.
Comment: The p.A104G variant (also known as c.311C>G), located in coding exon 1 of the HOXB13 gene, results from a C to G substitution at nucleotide position 311. The alanine at codon 104 is replaced by glycine, an amino acid with similar properties. This amino acid position is conserved. In addition, this alteration is predicted to be tolerated by in silico analysis. Since supporting evidence is limited at this time, the clinical significance of this alteration remains unclear.

NM_006361.6(HOXB13):c.311C>G (p.Ala104Gly)

Gene: HOXB13 (homeobox B13; minus strand). Cytogenetic location: 17q21.32.
Variant type: single nucleotide variant.
Coding change: c.311C>G on transcript NM_006361.6 (MANE Select); coding-DNA position 311, C replaced by G.
Protein change: p.Ala104Gly; replaces alanine 104 with glycine.
Molecular consequence: missense variant.
Genome position (GRCh38, 1-based): chr17:48,728,283, G>C on the plus strand (C>G on the coding strand, the complement: HOXB13 is on the minus strand). VCF-style: chr17-48728283-G-C. GRCh37 (hg19) VCF-style: chr17-46805645-G-C.
Other names: short protein forms A104G.
Identifiers: ClinVar variation 1486646 (VCV001486646.10), dbSNP rs2143072944, ClinGen allele CA400107714.